The following is an entry in ClinVar:

NM_002185.5(IL7R):c.46C>T (p.Gln16Ter)

Gene: IL7R (interleukin 7 receptor; plus strand). Cytogenetic location: 5p13.2.
Variant type: single nucleotide variant.
Coding change: c.46C>T on transcript NM_002185.5 (MANE Select); coding-DNA position 46, C replaced by T.
Protein change: p.Gln16Ter; replaces glutamine 16 with a stop codon.
Molecular consequence: nonsense. On other transcripts: non-coding transcript variant (1).
Genome position (GRCh38, 1-based): chr5:35,857,023, C>T. VCF-style: chr5-35857023-C-T. GRCh37 (hg19) VCF-style: chr5-35857125-C-T.
Other names: c.46C>T, p.Gln16Ter (NM_001410734.1, NM_001437963.1, NM_001437964.1); short protein forms Q16*.
Identifiers: ClinVar variation 4812111 (VCV004812111.1).

ClinVar aggregate classification (germline): Pathogenic (1 of 4 stars; one submission).

Conditions:
Immunodeficiency 104. Also called: IMMUNODEFICIENCY 104, SEVERE COMBINED; Severe combined immunodeficiency, autosomal recessive, T cell-negative, B cell-positive, NK cell-positive; SCID, AUTOSOMAL RECESSIVE, T CELL-NEGATIVE, B CELL-POSITIVE, NK CELL-POSITIVE; Severe Combined Immune Deficiency, Autosomal Recessive, TCell -Negative, B Cell-Positive, NK Cell-Positive, IL7R-Related. Identifiers: MedGen C5676890, MONDO:0012163, OMIM 608971.

gnomAD v4.1: 1 of 1,610,100 alleles (0.000062%); highest among the groups gnomAD compares: African/African-American, 0.0013%; no homozygotes.

Submission:

Labcorp Genetics (formerly Invitae), Labcorp
Classification: Pathogenic for Immunodeficiency 104. Last evaluated: 2026-01-20. Review status: criteria provided, single submitter. Criteria: Invitae Variant Classification Sherloc (09022015). Collection method: clinical testing. Allele origin: germline.
Comment: This sequence change creates a premature translational stop signal (p.Gln16*) in the IL7R gene. It is expected to result in an absent or disrupted protein product. Loss-of-function variants in IL7R are known to be pathogenic (PMID: 21664875, 26123418). This variant is not present in population databases (gnomAD no frequency). This variant has not been reported in the literature in individuals affected with IL7R-related conditions. Algorithms developed to predict the effect of sequence changes on RNA splicing suggest that this variant may disrupt the consensus splice site. For these reasons, this variant has been classified as Pathogenic.

Literature cited by the submitters: PubMed 21664875; PubMed 26123418.